The following is an entry in ClinVar:

NM_152296.5(ATP1A3):c.472-5C>G

Gene: ATP1A3 (ATPase Na+/K+ transporting subunit alpha 3; minus strand). Cytogenetic location: 19q13.2.
Variant type: single nucleotide variant.
Coding change: c.472-5C>G on transcript NM_152296.5 (MANE Select); 5 bases into the intron before coding-DNA position 472, C replaced by G.
Molecular consequence: intron variant.
Genome position (GRCh38, 1-based): chr19:41,986,003, G>C on the plus strand (C>G on the coding strand, the complement: ATP1A3 is on the minus strand). VCF-style: chr19-41986003-G-C. GRCh37 (hg19) VCF-style: chr19-42490155-G-C.
Other names: c.511-5C>G (NM_001256214.2, NM_001256214.1); c.505-5C>G (NM_001256213.2).
Identifiers: ClinVar variation 1092991 (VCV001092991.13), dbSNP rs372041397, ClinGen allele CA9467850.

ClinVar aggregate classification (germline): Likely benign. Review status: criteria provided, multiple submitters, no conflicts (2 of 4 stars). 3 submissions from 3 submitters: Likely benign (3). Last evaluated 2025-12-30.

Conditions:
Dystonia 12 (DYT12). Also called: Rapid-Onset Dystonia-Parkinsonism (RDP); DYT-ATP1A3. Identifiers: Orphanet 71517, MedGen C1868681, MONDO:0007496, OMIM 128235.
ATP1A3-related disorder. Also called: ATP1A3-related disorders; ATP1A3-related condition. Identifiers: MedGen CN381097.

Allele frequency attached by ClinVar (database versions not stated): TOPMed 0.00003; gnomAD 0.00004 and 0.00007; ESP Exome Variant Server 0.00008; 1000 Genomes Project 0.00060; 1000 Genomes Project 30x 0.00062.
gnomAD v4.1: 98 of 1,614,154 alleles (0.0061%); highest among the groups gnomAD compares: South Asian, 0.048%; no homozygotes.

Submissions (3):

Labcorp Genetics (formerly Invitae), Labcorp
Classification: Likely benign for Dystonia 12. Last evaluated: 2025-12-30. Review status: criteria provided, single submitter. Criteria: Invitae Variant Classification Sherloc (09022015). Collection method: clinical testing. Allele origin: germline.

PreventionGenetics, part of Exact Sciences
Classification: Likely benign for ATP1A3-related condition. Last evaluated: 2025-11-05. Review status: criteria provided, single submitter. Criteria: ACMG Guidelines, 2015. Collection method: clinical testing. Allele origin: germline.
Comment: This variant is classified as likely benign based on ACMG/AMP sequence variant interpretation guidelines (Richards et al. 2015 PMID: 25741868, with internal and published modifications).

GeneDx
Classification: Likely benign. Last evaluated: 2020-08-28. Review status: criteria provided, single submitter. Criteria: GeneDx Variant Classification Process June 2021. Collection method: clinical testing. Allele origin: germline. Affected: yes.